The following is an entry in ClinVar:

ClinVar aggregate classification (germline): Uncertain significance (1 of 4 stars; one submission).

Conditions:
Cutis laxa, autosomal dominant 3 (ADCL3). Identifiers: Orphanet 90348, MedGen C4225268, MONDO:0014706, OMIM 616603.
de Barsy syndrome. Also called: Cutis laxa-corneal clouding-oligophrenia syndrome. Identifiers: Orphanet 2962, MedGen C0268354, MONDO:0017569.
Autosomal dominant spastic paraplegia type 9. Identifiers: MedGen C1832669, MONDO:0015091.

Submission:

Labcorp Genetics (formerly Invitae), Labcorp
Classification: Uncertain significance for Autosomal dominant spastic paraplegia type 9; de Barsy syndrome; Cutis laxa, autosomal dominant 3. Last evaluated: 2025-01-28. Review status: criteria provided, single submitter. Criteria: Invitae Variant Classification Sherloc (09022015). Collection method: clinical testing. Allele origin: germline.
Comment: This sequence change replaces asparagine, which is neutral and polar, with aspartic acid, which is acidic and polar, at codon 14 of the ALDH18A1 protein (p.Asn14Asp). This variant is not present in population databases (gnomAD no frequency). This variant has not been reported in the literature in individuals affected with ALDH18A1-related conditions. ClinVar contains an entry for this variant (Variation ID: 1965545). An algorithm developed to predict the effect of missense changes on protein structure and function (PolyPhen-2) suggests that this variant is likely to be tolerated. In summary, the available evidence is currently insufficient to determine the role of this variant in disease. Therefore, it has been classified as a Variant of Uncertain Significance.

NM_002860.4(ALDH18A1):c.40A>G (p.Asn14Asp)

Gene: ALDH18A1 (aldehyde dehydrogenase 18 family member A1; minus strand). Cytogenetic location: 10q24.1.
Variant type: single nucleotide variant.
Coding change: c.40A>G on transcript NM_002860.4 (MANE Select); coding-DNA position 40, A replaced by G.
Protein change: p.Asn14Asp; replaces asparagine 14 with aspartic acid.
Molecular consequence: missense variant. On other transcripts: 5 prime UTR variant (4).
Genome position (GRCh38, 1-based): chr10:95,653,338, T>C on the plus strand (A>G on the coding strand, the complement: ALDH18A1 is on the minus strand). VCF-style: chr10-95653338-T-C. GRCh37 (hg19) VCF-style: chr10-97413095-T-C.
Other names: c.40A>G, p.Asn14Asp (NM_001017423.2, NM_001323413.2, NM_001323414.2 and 2 more transcripts); c.-79A>G (NM_001323412.2, NM_001323416.2, NM_001323418.2); c.-127A>G (NM_001323419.2); short protein forms N14D.
Identifiers: ClinVar variation 1965545 (VCV001965545.5), dbSNP rs2492635053, ClinGen allele CA377710642.